The following is an entry in ClinVar:

ClinVar aggregate classification (germline): Conflicting classifications of pathogenicity. Review status: criteria provided, conflicting classifications (1 of 4 stars). 4 submissions from 4 submitters: Uncertain significance (1); Likely benign (3). Last evaluated 2024-11-20.

Conditions:
ABCB4-related disorder. Also called: ABCB4-related disorders; ABCB4-related condition.

Allele frequency attached by ClinVar (database versions not stated): TOPMed 0.00005.
gnomAD v4.1: 47 of 1,613,844 alleles (0.0029%); highest among the groups gnomAD compares: East Asian, 0.011%; no homozygotes.

Submissions (4):

PreventionGenetics, part of Exact Sciences
Classification: Likely benign for ABCB4-related condition. Last evaluated: 2024-11-20. Review status: criteria provided, single submitter. Criteria: ACMG Guidelines, 2015. Collection method: clinical testing. Allele origin: germline.
Comment: This variant is classified as likely benign based on ACMG/AMP sequence variant interpretation guidelines (Richards et al. 2015 PMID: 25741868, with internal and published modifications).

Labcorp Genetics (formerly Invitae), Labcorp
Classification: Likely benign. Last evaluated: 2023-09-26. Review status: criteria provided, single submitter. Criteria: Invitae Variant Classification Sherloc (09022015). Collection method: clinical testing. Allele origin: germline.

Eurofins Ntd Llc (ga)
Classification: Uncertain significance. Last evaluated: 2018-03-06. Review status: criteria provided, single submitter. Criteria: EGL ClinVar v180209 classification definitions. Collection method: clinical testing. Allele origin: germline. Observed: 2 variant alleles, 2 heterozygotes.

GeneDx
Classification: Likely benign. Last evaluated: 2017-11-25. Review status: criteria provided, single submitter. Criteria: GeneDx Variant Classification (06012015). Collection method: clinical testing. Allele origin: germline. Affected: yes.
Comment: This variant is considered likely benign or benign based on one or more of the following criteria: it is a conservative change, it occurs at a poorly conserved position in the protein, it is predicted to be benign by multiple in silico algorithms, and/or has population frequency not consistent with disease.

NM_000443.4(ABCB4):c.2325G>A (p.Thr775=)

Gene: ABCB4 (ATP binding cassette subfamily B member 4; minus strand). Cytogenetic location: 7q21.12.
Variant type: single nucleotide variant.
Coding change: c.2325G>A on transcript NM_000443.4 (MANE Select); coding-DNA position 2325, G replaced by A.
Protein change: p.Thr775=; no amino-acid change (threonine 775 retained).
Molecular consequence: synonymous variant.
Genome position (GRCh38, 1-based): chr7:87,420,067, C>T on the plus strand (G>A on the coding strand, the complement: ABCB4 is on the minus strand). VCF-style: chr7-87420067-C-T. GRCh37 (hg19) VCF-style: chr7-87049383-C-T.
Other names: c.2325G>A, p.Thr775= (NM_018849.3, NM_018850.3).
Identifiers: ClinVar variation 513498 (VCV000513498.13), dbSNP rs8187802, ClinGen allele CA4327047.
Genomic context (GRCh38, chr7:87,420,067, plus strand): 5'-CATTGCTTTAAAAGCCATTGACCGCAGTCTTCTGGTGAGGATCTCGCCAGCTTTCCCAAA[C>T]GTGAAACCCTGGTTGAGAAAAAAGGCTATGGTCTCTTTTGATCTTTATGTATGTAATTGC-3'
Protein context (NP_000434.1, residues 765-785): SFFTFFLQGF[Thr775=]FGKAGEILTR